The following is an entry in ClinVar:

ClinVar aggregate classification (germline): Uncertain significance (1 of 4 stars; one submission).

Allele frequency attached by ClinVar (database versions not stated): gnomAD exomes below 0.00001; TOPMed 0.00003.
gnomAD v4.1: 4 of 1,613,792 alleles (0.00025%); highest among the groups gnomAD compares: Non-Finnish European, 0.00034%; no homozygotes.

Submission:

Labcorp Genetics (formerly Invitae), Labcorp
Classification: Uncertain significance. Last evaluated: 2021-08-09. Review status: criteria provided, single submitter. Criteria: Invitae Variant Classification Sherloc (09022015). Collection method: clinical testing. Allele origin: germline.
Comment: This sequence change replaces aspartic acid with asparagine at codon 700 of the TMTC3 protein (p.Asp700Asn). The aspartic acid residue is moderately conserved and there is a small physicochemical difference between aspartic acid and asparagine. This variant is not present in population databases (ExAC no frequency). This variant has not been reported in the literature in individuals affected with TMTC3-related conditions. Algorithms developed to predict the effect of missense changes on protein structure and function (SIFT, PolyPhen-2, Align-GVGD) all suggest that this variant is likely to be tolerated. In summary, the available evidence is currently insufficient to determine the role of this variant in disease. Therefore, it has been classified as a Variant of Uncertain Significance.

NM_181783.4(TMTC3):c.2098G>A (p.Asp700Asn)

Gene: TMTC3 (transmembrane O-mannosyltransferase targeting cadherins 3; plus strand). Cytogenetic location: 12q21.32.
Variant type: single nucleotide variant.
Coding change: c.2098G>A on transcript NM_181783.4 (MANE Select); coding-DNA position 2098, G replaced by A.
Protein change: p.Asp700Asn; replaces aspartic acid 700 with asparagine.
Molecular consequence: missense variant. On other transcripts: non-coding transcript variant (1).
Genome position (GRCh38, 1-based): chr12:88,195,002, G>A. VCF-style: chr12-88195002-G-A. GRCh37 (hg19) VCF-style: chr12-88588779-G-A.
Other names: c.1918G>A, p.Asp640Asn (NM_001366574.1); c.1879G>A, p.Asp627Asn (NM_001366579.1); c.1831G>A, p.Asp611Asn (NM_001366580.1); c.1405G>A, p.Asp469Asn (NM_001366583.1); short protein forms D611N, D469N, D700N, D627N, D640N.
Identifiers: ClinVar variation 1465649 (VCV001465649.4), dbSNP rs1332461696, ClinGen allele CA386118859.